The following is an entry in ClinVar:

NM_001211.6(BUB1B):c.511G>C (p.Ala171Pro)

Gene: BUB1B (BUB1 mitotic checkpoint serine/threonine kinase B; plus strand). Cytogenetic location: 15q15.1.
Variant type: single nucleotide variant.
Coding change: c.511G>C on transcript NM_001211.6 (MANE Select); coding-DNA position 511, G replaced by C.
Protein change: p.Ala171Pro; replaces alanine 171 with proline.
Molecular consequence: missense variant.
Genome position (GRCh38, 1-based): chr15:40,176,603, G>C. VCF-style: chr15-40176603-G-C. GRCh37 (hg19) VCF-style: chr15-40468804-G-C.
Other names: short protein forms A171P.
Identifiers: ClinVar variation 968960 (VCV000968960.12), dbSNP rs2037226711, ClinGen allele CA391681324.
Genomic context (GRCh38, chr15:40,176,603, plus strand): 5'-CTTGCTCAGTTCTATATCTCATGGGCAGAAGAATATGAAGCTAGAGAAAACTTTAGGAAA[G>C]CAGATGCGATATTTCAGGAAGGGATTCAACAGAAGGCTGAACCACTAGAAAGACTACAGT-3'
Protein context (NP_001202.5, residues 161-181): EYEARENFRK[Ala171Pro]DAIFQEGIQQ

ClinVar aggregate classification (germline): Uncertain significance. Review status: criteria provided, multiple submitters, no conflicts (2 of 4 stars). 2 submissions from 2 submitters: Uncertain significance (2). Last evaluated 2023-11-03.

Conditions:
Inborn genetic diseases. Identifiers: MedGen C0950123, MeSH D030342.
Mosaic variegated aneuploidy syndrome 1 (MVA1). Also called: Warburton-Anyane-Yeboa syndrome. Identifiers: Orphanet 1052, MedGen C1850343, MONDO:0009759, OMIM 257300.

gnomAD v4.1: 2 of 1,614,110 alleles (0.00012%); highest among the groups gnomAD compares: Non-Finnish European, 0.00017%; no homozygotes.

Submissions (2):

Ambry Genetics
Classification: Uncertain significance for Inborn genetic diseases. Last evaluated: 2023-11-03. Review status: criteria provided, single submitter. Criteria: Ambry Variant Classification Scheme 2023. Collection method: clinical testing. Allele origin: germline.
Comment: The p.A171P variant (also known as c.511G>C), located in coding exon 5 of the BUB1B gene, results from a G to C substitution at nucleotide position 511. The alanine at codon 171 is replaced by proline, an amino acid with highly similar properties. This amino acid position is conserved. In addition, this alteration is predicted to be deleterious by in silico analysis. Since supporting evidence is limited at this time, the clinical significance of this alteration remains unclear.

Labcorp Genetics (formerly Invitae), Labcorp
Classification: Uncertain significance for Mosaic variegated aneuploidy syndrome 1. Last evaluated: 2019-10-22. Review status: criteria provided, single submitter. Criteria: Invitae Variant Classification Sherloc (09022015). Collection method: clinical testing. Allele origin: germline.
Comment: In summary, the available evidence is currently insufficient to determine the role of this variant in disease. Therefore, it has been classified as a Variant of Uncertain Significance. This sequence change replaces alanine with proline at codon 171 of the BUB1B protein (p.Ala171Pro). The alanine residue is highly conserved and there is a small physicochemical difference between alanine and proline. This variant is not present in population databases (ExAC no frequency). This variant has not been reported in the literature in individuals with BUB1B-related conditions. Algorithms developed to predict the effect of missense changes on protein structure and function are either unavailable or do not agree on the potential impact of this missense change (SIFT: "Tolerated"; PolyPhen-2: "Probably Damaging"; Align-GVGD: "Class C0").